The following is an entry in ClinVar:

ClinVar aggregate classification (germline): Uncertain significance (1 of 4 stars; one submission).

Allele frequency attached by ClinVar (database versions not stated): TOPMed 0.00001; gnomAD exomes 0.00003; ExAC 0.00004.
gnomAD v4.1: 14 of 1,578,184 alleles (0.00089%); highest among the groups gnomAD compares: Admixed American, 0.0036%; no homozygotes.

Submission:

Labcorp Genetics (formerly Invitae), Labcorp
Classification: Uncertain significance. Last evaluated: 2024-02-16. Review status: criteria provided, single submitter. Criteria: Invitae Variant Classification Sherloc (09022015). Collection method: clinical testing. Allele origin: germline.
Comment: This sequence change replaces alanine, which is neutral and non-polar, with valine, which is neutral and non-polar, at codon 374 of the TCF3 protein (p.Ala374Val). The frequency data for this variant in the population databases is considered unreliable, as metrics indicate poor data quality at this position in the gnomAD database. This variant has not been reported in the literature in individuals affected with TCF3-related conditions. ClinVar contains an entry for this variant (Variation ID: 1382099). Advanced modeling of protein sequence and biophysical properties (such as structural, functional, and spatial information, amino acid conservation, physicochemical variation, residue mobility, and thermodynamic stability) performed at Invitae indicates that this missense variant is not expected to disrupt TCF3 protein function with a negative predictive value of 80%. In summary, the available evidence is currently insufficient to determine the role of this variant in disease. Therefore, it has been classified as a Variant of Uncertain Significance.

NM_003200.5(TCF3):c.1121C>T (p.Ala374Val)

Gene: TCF3 (transcription factor 3; minus strand). Cytogenetic location: 19p13.3.
Variant type: single nucleotide variant.
Coding change: c.1121C>T on transcript NM_003200.5 (MANE Select); coding-DNA position 1121, C replaced by T.
Protein change: p.Ala374Val; replaces alanine 374 with valine.
Molecular consequence: missense variant.
Genome position (GRCh38, 1-based): chr19:1,619,826, G>A on the plus strand (C>T on the coding strand, the complement: TCF3 is on the minus strand). VCF-style: chr19-1619826-G-A. GRCh37 (hg19) VCF-style: chr19-1619825-G-A.
Other names: c.1121C>T, p.Ala374Val (NM_001136139.4, NM_001351778.2, NM_001351779.2); short protein forms A374V.
Identifiers: ClinVar variation 1382099 (VCV001382099.8), dbSNP rs753137385, ClinGen allele CA9050046.